The following is an entry in ClinVar:

NM_000138.5(FBN1):c.2023_2026del (p.Phe675fs)

Gene: FBN1 (fibrillin 1; minus strand). Cytogenetic location: 15q21.1.
Variant type: Microsatellite.
Coding change: c.2023_2026del on transcript NM_000138.5 (MANE Select); coding-DNA positions 2023 to 2026, 4 bases deleted (TTTG; older notation c.2023_2026delTTTG).
Protein change: p.Phe675fs; shifts the reading frame from phenylalanine 675.
Molecular consequence: frameshift variant.
Genome position (GRCh38, 1-based): chr15:48,503,874-48,503,877, CAAA deleted on the plus strand (TTTG on the coding strand, the reverse complement: FBN1 is on the minus strand); deleting any 4 consecutive bases within chr15:48,503,874-48,503,881 gives the same sequence; the c. name uses the placement nearest the transcript's 3' end. VCF-style (leftmost placement, unchanged base first): chr15-48503873-CCAAA-C. GRCh37 (hg19) VCF-style: chr15-48796070-CCAAA-C.
Other names: c.2023_2026delTTTG (NM_000138.4); short protein forms F675fs.
Identifiers: ClinVar variation 280058 (VCV000280058.11), dbSNP rs886041349, ClinGen allele CA10603348.

ClinVar aggregate classification (germline): Pathogenic. Review status: criteria provided, multiple submitters, no conflicts (2 of 4 stars). 2 submissions from 2 submitters: Pathogenic (2). Last evaluated 2021-03-22.

Conditions:
Marfan syndrome (MFS). Also called: Marfan syndrome type 1; Marfan's syndrome; MARFAN SYNDROME, TYPE I; Marfan syndrome, classic; FBN1-Related Marfan Syndrome. Identifiers: Orphanet 284963, Orphanet 558, MedGen C0024796, MONDO:0007947, OMIM 154700.
Familial thoracic aortic aneurysm and aortic dissection (TAAD). Also called: Thoracic aortic aneurysms and dissections. Identifiers: Orphanet 91387, MedGen C4707243, MONDO:0019625.

Submissions (2):

GeneDx
Classification: Pathogenic. Last evaluated: 2021-03-22. Review status: criteria provided, single submitter. Criteria: GeneDx Variant Classification Process June 2021. Collection method: clinical testing. Allele origin: germline. Affected: yes.
Comment: Reported in a patient with Marfan syndrome or Marfan-like phenotype and stated to segregate with disease in five relatives (Howarth et al., 2007); Not observed in large population cohorts (Lek et al., 2016); Frameshift variant predicted to result in protein truncation or nonsense mediated decay in a gene for which loss-of-function is a known mechanism of disease; Reported in ClinVar as pathogenic (ClinVar Variant ID# 280058; Landrum et al., 2016); This variant is associated with the following publications: (PMID: 17627385)

Labcorp Genetics (formerly Invitae), Labcorp
Classification: Pathogenic for Marfan syndrome; Familial thoracic aortic aneurysm and aortic dissection. Last evaluated: 2020-03-22. Review status: criteria provided, single submitter. Criteria: Invitae Variant Classification Sherloc (09022015). Collection method: clinical testing. Allele origin: germline.
Comment: This variant has been observed in individuals affected with Marfan syndrome or with clinical features of this disease (PMID: 17627385, Invitae). This variant is also known as p.Phe675ValfsX41 in the literature. ClinVar contains an entry for this variant (Variation ID: 280058). For these reasons, this variant has been classified as Pathogenic. Loss-of-function variants in FBN1 are known to be pathogenic (PMID: 17657824, 19293843). This variant is not present in population databases (ExAC no frequency). This sequence change creates a premature translational stop signal (p.Phe675Valfs*42) in the FBN1 gene. It is expected to result in an absent or disrupted protein product.

Literature cited by the submitters: PubMed 17627385 (cited by Labcorp Genetics (formerly Invitae), Labcorp); PubMed 17657824 (cited by Labcorp Genetics (formerly Invitae), Labcorp); PubMed 19293843 (cited by Labcorp Genetics (formerly Invitae), Labcorp).